The following is an entry in ClinVar:

NM_014915.3(ANKRD26):c.3989A>T (p.Glu1330Val)

Gene: ANKRD26 (ankyrin repeat domain containing 26; minus strand). Cytogenetic location: 10p12.1.
Variant type: single nucleotide variant.
Coding change: c.3989A>T on transcript NM_014915.3 (MANE Select); coding-DNA position 3989, A replaced by T.
Protein change: p.Glu1330Val; replaces glutamic acid 1330 with valine.
Molecular consequence: missense variant.
Genome position (GRCh38, 1-based): chr10:27,024,543, T>A on the plus strand (A>T on the coding strand, the complement: ANKRD26 is on the minus strand). VCF-style: chr10-27024543-T-A. GRCh37 (hg19) VCF-style: chr10-27313472-T-A.
Other names: c.3986A>T, p.Glu1329Val (NM_001256053.2); short protein forms E1330V, E1329V.
Identifiers: ClinVar variation 4104663 (VCV004104663.1).

ClinVar aggregate classification (germline): Uncertain significance (1 of 4 stars; one submission).

Conditions:
Inborn genetic diseases. Identifiers: MedGen C0950123, MeSH D030342.

Submission:

Ambry Genetics
Classification: Uncertain significance for Inborn genetic diseases. Last evaluated: 2025-09-01. Review status: criteria provided, single submitter. Criteria: Ambry Variant Classification Scheme 2023. Collection method: clinical testing. Allele origin: germline.
Comment: The p.E1330V variant (also known as c.3989A>T), located in coding exon 28 of the ANKRD26 gene, results from an A to T substitution at nucleotide position 3989. The glutamic acid at codon 1330 is replaced by valine, an amino acid with dissimilar properties. This amino acid position is conserved. In addition, this alteration is predicted to be tolerated by in silico analysis. Based on the available evidence, the clinical significance of this variant remains unclear.